The following is an entry in ClinVar:

ClinVar aggregate classification (germline): Uncertain significance. Review status: criteria provided, multiple submitters, no conflicts (2 of 4 stars). 2 submissions from 2 submitters: Uncertain significance (2). Last evaluated 2025-07-12.

Allele frequency attached by ClinVar (database versions not stated): gnomAD exomes below 0.00001; ExAC 0.00001.
gnomAD v4.1: 2 of 1,597,924 alleles (0.00013%); highest among the groups gnomAD compares: Non-Finnish European, 0.00017%; no homozygotes.

Submissions (2):

Ambry Genetics
Classification: Uncertain significance. Last evaluated: 2025-07-12. Review status: criteria provided, single submitter. Criteria: Ambry Variant Classification Scheme 2023. Collection method: clinical testing. Allele origin: germline.

Labcorp Genetics (formerly Invitae), Labcorp
Classification: Uncertain significance. Last evaluated: 2022-02-02. Review status: criteria provided, single submitter. Criteria: Invitae Variant Classification Sherloc (09022015). Collection method: clinical testing. Allele origin: germline.
Comment: This sequence change replaces glycine, which is neutral and non-polar, with glutamic acid, which is acidic and polar, at codon 173 of the IRF9 protein (p.Gly173Glu). The frequency data for this variant in the population databases is considered unreliable, as metrics indicate poor data quality at this position in the gnomAD database. This variant has not been reported in the literature in individuals affected with IRF9-related conditions. Algorithms developed to predict the effect of missense changes on protein structure and function output the following: SIFT: "Tolerated"; PolyPhen-2: "Benign"; Align-GVGD: "Class C0". The glutamic acid amino acid residue is found in multiple mammalian species, which suggests that this missense change does not adversely affect protein function. In summary, the available evidence is currently insufficient to determine the role of this variant in disease. Therefore, it has been classified as a Variant of Uncertain Significance.

NM_006084.5(IRF9):c.518G>A (p.Gly173Glu)

Gene: IRF9 (interferon regulatory factor 9; plus strand). Cytogenetic location: 14q12.
Variant type: single nucleotide variant.
Coding change: c.518G>A on transcript NM_006084.5 (MANE Select); coding-DNA position 518, G replaced by A.
Protein change: p.Gly173Glu; replaces glycine 173 with glutamic acid.
Molecular consequence: missense variant.
Genome position (GRCh38, 1-based): chr14:24,163,900, G>A. VCF-style: chr14-24163900-G-A. GRCh37 (hg19) VCF-style: chr14-24633109-G-A.
Other names: c.518G>A (NM_006084.4); c.518G>A, p.Gly173Glu (NM_001385400.1, NM_001385401.1, NM_001385402.1); short protein forms G173E.
Identifiers: ClinVar variation 1941837 (VCV001941837.6), dbSNP rs771580188, ClinGen allele CA7126467.